The following is an entry in ClinVar:

NM_001017974.2(P4HA2):c.751G>A (p.Glu251Lys)

Gene: P4HA2 (prolyl 4-hydroxylase subunit alpha 2; minus strand). Cytogenetic location: 5q31.1.
Variant type: single nucleotide variant.
Coding change: c.751G>A on transcript NM_001017974.2 (MANE Select); coding-DNA position 751, G replaced by A.
Protein change: p.Glu251Lys; replaces glutamic acid 251 with lysine.
Molecular consequence: missense variant.
Genome position (GRCh38, 1-based): chr5:132,209,290, C>T on the plus strand (G>A on the coding strand, the complement: P4HA2 is on the minus strand). VCF-style: chr5-132209290-C-T. GRCh37 (hg19) VCF-style: chr5-131544983-C-T.
Other names: c.751G>A, p.Glu251Lys (NM_001142598.2, NM_001142599.2, NM_001365677.2 and 5 more transcripts); short protein forms E251K.
Identifiers: ClinVar variation 4082194 (VCV004082194.2).

ClinVar aggregate classification (germline): Likely pathogenic. Review status: criteria provided, multiple submitters, no conflicts (2 of 4 stars). 2 submissions from 2 submitters: Likely pathogenic (2). Last evaluated 2022-08-01.

Conditions:
Myopia 25, autosomal dominant (MYP25). Identifiers: MedGen C4310655, MONDO:0014982, OMIM 617238.
High myopia, early-onset. Identifiers: MedGen C5394216.

Submissions (2):

Ophthalmic Genetics and Bioinformatics Laboratory, Shanghai Puxi and Light Genomics Technology Co., Ltd.
Classification: Likely pathogenic for High myopia, early-onset. Last evaluated: 2022-08-01. Review status: criteria provided, single submitter. Criteria: Standards And Guidelines For The Interpretation Of Sequence Variants. Collection method: clinical testing. Allele origin: maternal. Affected: yes.

Ningxia Clinical Research Institute, People's Hospital of Ningxia Hui Autonomous Region
Classification: Likely pathogenic for Myopia 25, autosomal dominant. Review status: criteria provided, single submitter. Criteria: ACMG Guidelines, 2015. Collection method: clinical testing. Allele origin: inherited. Inheritance: Autosomal dominant inheritance with maternal imprinting. Affected: yes. Observed: 1 heterozygote.
Comment: ACMG guidelines: 1. 2. The variant has not been previously reported and is absent from gnomAD, 1000 Genomes, ESP6500, ExAC_ALL, and ExAC_EAS (PM2_Moderate). 3. Multiple in-silico tools predict a damaging effect (PP3_Supporting). 4. Cross-species conservation analysis shows that amino-acid position 251 is highly conserved, indicating that the variant is likely to alter P4HA2 structure and function (PP3_Supporting). 5. The phenotype of the variant carriers perfectly matches monogenic high myopia (PP4_Supporting). 6. A certified clinical laboratory classified the variant as pathogenic (PP5_Supporting). 7.Structural modeling showed that the Glu251Lys mutation replaces the negatively charged glutamic acid at position 251 with a positively charged lysine, markedly altering local conformation and charge distribution. According to the ACMG guidelines, the heterozygous variant c.751G>A (p.Glu251Lys) of P4HA2 gene was classified as likely pathogenic